The following is an entry in ClinVar:

ClinVar aggregate classification (germline): Uncertain significance (1 of 4 stars; one submission).

Conditions:
Ehlers-Danlos syndrome, type 4 (EDSVASC). Also called: Ehlers-Danlos syndrome vascular type; Ehlers Danlos syndrome, ecchymotic type; Ehlers Danlos syndrome, arterial type; Ehlers Danlos syndrome, Sack-Barabas type; Ehlers-Danlos Syndrome Type IV. Identifiers: Orphanet 286, MedGen C0268338, MONDO:0017314, OMIM 130050.

Submissions (2):

Labcorp Genetics (formerly Invitae), Labcorp
Classification: Uncertain significance for Ehlers-Danlos syndrome, type 4. Last evaluated: 2021-11-13. Review status: criteria provided, single submitter. Criteria: Invitae Variant Classification Sherloc (09022015). Collection method: clinical testing. Allele origin: germline.
Comment: This sequence change replaces cysteine, which is neutral and slightly polar, with serine, which is neutral and polar, at codon 1197 of the COL3A1 protein (p.Cys1197Ser). This variant is not present in population databases (gnomAD no frequency). This variant has not been reported in the literature in individuals affected with COL3A1-related conditions. Advanced modeling of protein sequence and biophysical properties (such as structural, functional, and spatial information, amino acid conservation, physicochemical variation, residue mobility, and thermodynamic stability) performed at Invitae indicates that this missense variant is not expected to disrupt COL3A1 protein function. Algorithms developed to predict the effect of sequence changes on RNA splicing suggest that this variant may create or strengthen a splice site. In summary, the available evidence is currently insufficient to determine the role of this variant in disease. Therefore, it has been classified as a Variant of Uncertain Significance.

Dr. Peter K. Rogan Lab, Western University
No classification provided (evidence only). Condition: Lung cancer. Review status: no classification provided. Collection method: in vitro. Allele origin: not applicable. Functional consequence: retained intron. Not counted in ClinVar's aggregate classification.

NM_000090.4(COL3A1):c.3589T>A (p.Cys1197Ser)

Gene: COL3A1 (collagen type III alpha 1 chain; plus strand). Cytogenetic location: 2q32.2.
Variant type: single nucleotide variant.
Coding change: c.3589T>A on transcript NM_000090.4 (MANE Select); coding-DNA position 3589, T replaced by A.
Protein change: p.Cys1197Ser; replaces cysteine 1197 with serine.
Molecular consequence: missense variant.
Genome position (GRCh38, 1-based): chr2:189,008,987, T>A. VCF-style: chr2-189008987-T-A. GRCh37 (hg19) VCF-style: chr2-189873713-T-A.
Other names: short protein forms C1197S.
Identifiers: ClinVar variation 1462750 (VCV001462750.7), dbSNP rs2153504081, ClinGen allele CA349846691.